The following is an entry in ClinVar:

NM_001378418.1(TCF20):c.5575A>G (p.Ile1859Val)

Gene: TCF20 (transcription factor 20; minus strand). Cytogenetic location: 22q13.2.
Variant type: single nucleotide variant.
Coding change: c.5575A>G on transcript NM_001378418.1 (MANE Select); coding-DNA position 5575, A replaced by G.
Protein change: p.Ile1859Val; replaces isoleucine 1859 with valine.
Molecular consequence: missense variant.
Genome position (GRCh38, 1-based): chr22:42,209,731, T>C on the plus strand (A>G on the coding strand, the complement: TCF20 is on the minus strand). VCF-style: chr22-42209731-T-C. GRCh37 (hg19) VCF-style: chr22-42605737-T-C.
Other names: c.5575A>G, p.Ile1859Val (NM_005650.4, NM_181492.3); short protein forms I1859V.
Identifiers: ClinVar variation 2744339 (VCV002744339.3), dbSNP rs758054988, ClinGen allele CA10266448.

ClinVar aggregate classification (germline): Uncertain significance (1 of 4 stars; one submission).

Allele frequency attached by ClinVar (database versions not stated): ExAC 0.00001; gnomAD 0.00001; gnomAD exomes 0.00001.
gnomAD v4.1: 19 of 1,614,102 alleles (0.0012%); highest among the groups gnomAD compares: Non-Finnish European, 0.0015%; no homozygotes.

Submission:

Labcorp Genetics (formerly Invitae), Labcorp
Classification: Uncertain significance. Last evaluated: 2023-12-13. Review status: criteria provided, single submitter. Criteria: Invitae Variant Classification Sherloc (09022015). Collection method: clinical testing. Allele origin: germline.
Comment: This sequence change replaces isoleucine, which is neutral and non-polar, with valine, which is neutral and non-polar, at codon 1859 of the TCF20 protein (p.Ile1859Val). This variant is present in population databases (rs758054988, gnomAD 0.002%). This variant has not been reported in the literature in individuals affected with TCF20-related conditions. Algorithms developed to predict the effect of missense changes on protein structure and function output the following: SIFT: "Not Available"; PolyPhen-2: "Benign"; Align-GVGD: "Not Available". The valine amino acid residue is found in multiple mammalian species, which suggests that this missense change does not adversely affect protein function. In summary, the available evidence is currently insufficient to determine the role of this variant in disease. Therefore, it has been classified as a Variant of Uncertain Significance.